The following is an entry in ClinVar:

NM_001128425.2(MUTYH):c.166G>A (p.Gly56Arg)

Gene: MUTYH (mutY DNA glycosylase; minus strand). Cytogenetic location: 1p34.1.
Variant type: single nucleotide variant.
Coding change: c.166G>A on transcript NM_001128425.2 (MANE Plus Clinical); coding-DNA position 166, G replaced by A.
Protein change: p.Gly56Arg; replaces glycine 56 with arginine.
Molecular consequence: missense variant. On other transcripts: 5 prime UTR variant (1), intron variant (24), splice acceptor variant (4).
Genome position (GRCh38, 1-based): chr1:45,333,595, C>T on the plus strand (G>A on the coding strand, the complement: MUTYH is on the minus strand). VCF-style: chr1-45333595-C-T. GRCh37 (hg19) VCF-style: chr1-45799267-C-T.
Other names: c.-3G>A (NM_001407075.1); c.124G>A, p.Gly42Arg (NM_001407083.1, NM_001407085.1); c.158-34G>A (NM_001407073.1); c.116-34G>A (NM_001048171.2, NM_001407070.1, NM_001407080.1 and 7 more transcripts); c.158-31G>A (NM_001293190.2); c.158-1G>A (NM_001407069.1, NM_012222.3); c.116-31G>A (NM_001407071.1, NM_001407079.1, NM_001048172.2 and 2 more transcripts); c.-92-98G>A (NM_001407082.1, NM_001350651.2); and 4 more; short protein forms G56R, G42R.
Identifiers: ClinVar variation 406840 (VCV000406840.17), dbSNP rs1060501331, ClinGen allele CA16610144.

ClinVar aggregate classification (germline): Uncertain significance. Review status: criteria provided, multiple submitters, no conflicts (2 of 4 stars). 4 submissions from 4 submitters: Uncertain significance (4). Last evaluated 2024-05-14.

Conditions:
Hereditary cancer-predisposing syndrome. Also called: Tumor predisposition; Hereditary Cancer Syndrome; Hereditary neoplastic syndrome; Neoplastic Syndromes, Hereditary. Identifiers: Orphanet 140162, MedGen C0027672, MeSH D009386, MONDO:0015356.
Familial adenomatous polyposis 2. Also called: COLORECTAL ADENOMATOUS POLYPOSIS, AUTOSOMAL RECESSIVE; MUTYH Polyposis; MUTYH-associated polyposis; MUTYH-related attenuated familial adenomatous polyposis; Adenomas, multiple colorectal; ADENOMAS, MULTIPLE COLORECTAL, AUTOSOMAL RECESSIVE. Identifiers: Orphanet 220460, Orphanet 247798, MedGen C3272841, MONDO:0012041, OMIM 608456.

Submissions (4):

All of Us Research Program, National Institutes of Health
Classification: Uncertain significance for Familial adenomatous polyposis 2. Last evaluated: 2024-05-14. Review status: criteria provided, single submitter. Criteria: ACMG Guidelines, 2015. Collection method: clinical testing. Allele origin: germline. Inheritance: Autosomal recessive inheritance. Observed: 1 variant allele, 1 heterozygote.
Comment: This study involves interpretation of variants in research participants for the purpose of population health screening. Participant phenotype was not available at the time of variant classification. Additional details can be found in publication PMID: 35346344, PMCID: PMC8962531

Labcorp Genetics (formerly Invitae), Labcorp
Classification: Uncertain significance for Familial adenomatous polyposis 2. Last evaluated: 2024-01-24. Review status: criteria provided, single submitter. Criteria: Invitae Variant Classification Sherloc (09022015). Collection method: clinical testing. Allele origin: germline.
Comment: This sequence change replaces glycine, which is neutral and non-polar, with arginine, which is basic and polar, at codon 56 of the MUTYH protein (p.Gly56Arg). This variant is not present in population databases (gnomAD no frequency). This variant has not been reported in the literature in individuals affected with MUTYH-related conditions. ClinVar contains an entry for this variant (Variation ID: 406840). Algorithms developed to predict the effect of missense changes on protein structure and function output the following: SIFT: "Not Available"; PolyPhen-2: "Benign"; Align-GVGD: "Not Available". The arginine amino acid residue is found in multiple mammalian species, which suggests that this missense change does not adversely affect protein function. In summary, the available evidence is currently insufficient to determine the role of this variant in disease. Therefore, it has been classified as a Variant of Uncertain Significance.

Ambry Genetics
Classification: Uncertain significance for Hereditary cancer-predisposing syndrome. Last evaluated: 2023-12-19. Review status: criteria provided, single submitter. Criteria: Ambry Variant Classification Scheme 2023. Collection method: clinical testing. Allele origin: germline.

Color Diagnostics, LLC DBA Color Health
Classification: Uncertain significance for Hereditary cancer-predisposing syndrome. Last evaluated: 2019-06-29. Review status: criteria provided, single submitter. Criteria: ACMG Guidelines, 2015. Collection method: clinical testing. Allele origin: germline.